The following is an entry in ClinVar:

NM_000256.3(MYBPC3):c.3217C>T (p.Arg1073Trp)

Gene: MYBPC3 (myosin binding protein C3; minus strand). Cytogenetic location: 11p11.2.
Variant type: single nucleotide variant.
Coding change: c.3217C>T on transcript NM_000256.3 (MANE Select); coding-DNA position 3217, C replaced by T.
Protein change: p.Arg1073Trp; replaces arginine 1073 with tryptophan.
Molecular consequence: missense variant.
Genome position (GRCh38, 1-based): chr11:47,333,307, G>A on the plus strand (C>T on the coding strand, the complement: MYBPC3 is on the minus strand). VCF-style: chr11-47333307-G-A. GRCh37 (hg19) VCF-style: chr11-47354858-G-A.
Other names: short protein forms R1073W.
Identifiers: ClinVar variation 840397 (VCV000840397.20), dbSNP rs368973872, ClinGen allele CA079225.

ClinVar aggregate classification (germline): Uncertain significance. Review status: criteria provided, multiple submitters, no conflicts (2 of 4 stars). 9 submissions from 8 submitters: Uncertain significance (9). Last evaluated 2026-05-30.

Conditions:
Cardiovascular phenotype. Identifiers: MedGen CN230736.
Hypertrophic cardiomyopathy 4. Also called: Familial hypertrophic cardiomyopathy 4. Identifiers: MedGen C1861862, MONDO:0007268, OMIM 115197.
Hypertrophic cardiomyopathy. Also called: HYPERTROPHIC MYOCARDIOPATHY. Identifiers: Orphanet 217569, MedGen C0007194, MeSH D002312, MONDO:0005045, HP:0001639.
MYBPC3-related disorder. Also called: MYBPC3-related condition; MYBPC3-related disease; MYBPC3-related disorders.
Left ventricular noncompaction 10 (LVNC10). Identifiers: Orphanet 154, Orphanet 54260, MedGen C3715165, MONDO:0014163, OMIM 615396.
Cardiomyopathy (CMYO). Also called: Cardiomyopathies. Identifiers: Orphanet 167848, MedGen C0878544, MONDO:0004994, HP:0001638. Inheritance: Various modes of inheritance.

Allele frequency attached by ClinVar (database versions not stated): gnomAD 0.00001; gnomAD exomes 0.00001 and 0.00002; TOPMed 0.00004; ExAC 0.00005; ESP Exome Variant Server 0.00008.
gnomAD v4.1: 21 of 1,587,006 alleles (0.0013%); highest among the groups gnomAD compares: African/African-American, 0.004%; no homozygotes.

Submissions (9):

GeneDx
Classification: Uncertain significance. Last evaluated: 2026-05-30. Review status: criteria provided, single submitter. Criteria: GeneDx Variant Classification Process June 2021. Collection method: clinical testing. Allele origin: germline.
Comment: Identified in patients with cardiomyopathy referred for genetic testing at GeneDx and in published literature (PMID: 28658286, 35653365); In silico analysis supports that this missense variant has a deleterious effect on protein structure/function; Not observed at significant frequency in large population cohorts (gnomAD); This variant is associated with the following publications: (PMID: 28658286, 35653365, 39001760)

Labcorp Genetics (formerly Invitae), Labcorp
Classification: Uncertain significance for Hypertrophic cardiomyopathy. Last evaluated: 2025-12-24. Review status: criteria provided, single submitter. Criteria: Invitae Variant Classification Sherloc (09022015). Collection method: clinical testing. Allele origin: germline.
Comment: This sequence change replaces arginine, which is basic and polar, with tryptophan, which is neutral and slightly polar, at codon 1073 of the MYBPC3 protein (p.Arg1073Trp). The frequency data for this variant in the population databases is considered unreliable, as metrics indicate poor data quality at this position in the gnomAD database. This missense change has been observed in individual(s) with hypertrophic cardiomyopathy (PMID: 28658286). ClinVar contains an entry for this variant (Variation ID: 840397). An algorithm developed to predict the effect of missense changes on protein structure and function (PolyPhen-2) suggests that this variant is likely to be tolerated. In summary, the available evidence is currently insufficient to determine the role of this variant in disease. Therefore, it has been classified as a Variant of Uncertain Significance.

PreventionGenetics, part of Exact Sciences
Classification: Uncertain significance for MYBPC3-related condition. Last evaluated: 2025-10-31. Review status: criteria provided, single submitter. Criteria: ACMG Guidelines, 2015. Collection method: clinical testing. Allele origin: germline.
Comment: The MYBPC3 c.3217C>T variant is predicted to result in the amino acid substitution p.Arg1073Trp. This variant has been reported in individuals with cardiomyopathy (McNamara et al. 2017. PubMed ID: 28658286; Table S10, Stava et al. 2022. PubMed ID: 35653365). An alternative substitution at the same amino acid position (p.Arg1073Pro) has been reported in individuals with hypertrophic cardiomyopathy (Otsuka et al. 2012. PubMed ID: 22112859; Inagaki et al. 2018. PubMed ID: 30206291; Table S2, Thompson et al. 2021. PubMed ID: 33782553). This variant is reported in 0.0066% of alleles in individuals of Latino descent in gnomAD. At this time, the clinical significance of this variant is uncertain due to the absence of conclusive functional and genetic evidence.

Color Diagnostics, LLC DBA Color Health
Classification: Uncertain significance for Cardiomyopathy. Last evaluated: 2025-07-11. Review status: criteria provided, single submitter. Criteria: ACMG Guidelines, 2015. Collection method: clinical testing. Allele origin: germline.
Comment: This missense variant replaces arginine with tryptophan at codon 1073 of the MYBPC3 protein. Computational prediction suggests that this variant may not impact protein structure and function. To our knowledge, functional studies have not been performed for this variant. This variant has been reported in two individuals affected with hypertrophic cardiomyopathy (PMID: 28658286, 30206291) and in an individual affected with cardiac conduction disorder (PMID: 39001760). This variant has been identified in 4/207712 chromosomes in the general population by the Genome Aggregation Database (gnomAD). The available evidence is insufficient to determine the role of this variant in disease conclusively. Therefore, this variant is classified as a Variant of Uncertain Significance.

Women's Health and Genetics/Laboratory Corporation of America, LabCorp
Classification: Uncertain significance. Last evaluated: 2024-11-26. Review status: criteria provided, single submitter. Criteria: LabCorp Variant Classification Summary - May 2015. Collection method: clinical testing. Allele origin: germline.
Comment: Variant summary: MYBPC3 c.3217C>T (p.Arg1073Trp) results in a non-conservative amino acid change located in the Fibronectin type-III domain (IPR003961) of the encoded protein sequence. Three of four in-silico tools predict a damaging effect of the variant on protein function. The variant allele was found at a frequency of 1.9e-05 in 207712 control chromosomes. The available data on variant occurrences in the general population are insufficient to allow any conclusion about variant significance. c.3217C>T has been reported in the literature in individuals affected with Cardiomyopathy (McNamara_2017, Stava_2022) or cardiac conduction disorder (Ochoa_2024). These data do not allow any conclusion about variant significance. To our knowledge, no experimental evidence demonstrating an impact on protein function has been reported. The following publications have been ascertained in the context of this evaluation (PMID: 28658286, 39001760, 35653365). ClinVar contains an entry for this variant (Variation ID: 840397). Based on the evidence outlined above, the variant was classified as uncertain significance.

All of Us Research Program, National Institutes of Health
Classification: Uncertain significance for Hypertrophic cardiomyopathy. Last evaluated: 2024-08-06. Review status: criteria provided, single submitter. Criteria: ACMG Guidelines, 2015. Collection method: clinical testing. Allele origin: germline. Inheritance: Autosomal dominant inheritance. Observed: 12 variant alleles, 12 heterozygotes.
Comment: This missense variant replaces arginine with tryptophan at codon 1073 of the MYBPC3 protein. Computational prediction suggests that this variant may not impact protein structure and function (internally defined REVEL score threshold <= 0.5, PMID: 27666373). To our knowledge, functional studies have not been performed for this variant. This variant has been reported in two unrelated individuals affected with hypertrophic cardiomyopathy (PMID: 28658286, 30206291). This variant has been identified in 4/207712 chromosomes in the general population by the Genome Aggregation Database (gnomAD). The available evidence is insufficient to determine the role of this variant in disease conclusively. Therefore, this variant is classified as a Variant of Uncertain Significance.

This study involves interpretation of variants in research participants for the purpose of population health screening. Participant phenotype was not available at the time of variant classification. Additional details can be found in publication PMID: 35346344, PMCID: PMC8962531

Ambry Genetics
Classification: Uncertain significance for Cardiovascular phenotype. Last evaluated: 2024-06-07. Review status: criteria provided, single submitter. Criteria: Ambry Variant Classification Scheme 2023. Collection method: clinical testing. Allele origin: germline.
Comment: The p.R1073W variant (also known as c.3217C>T), located in coding exon 30 of the MYBPC3 gene, results from a C to T substitution at nucleotide position 3217. The arginine at codon 1073 is replaced by tryptophan, an amino acid with dissimilar properties. This variant has been detected in a patient from a hypertrophic cardiomyopathy cohort (McNamara JW et al. PLoS ONE, 2017 Jun;12:e0180064). This amino acid position is not well conserved in available vertebrate species. In addition, this alteration is predicted to be tolerated by in silico analysis. Based on the available evidence, the clinical significance of this variant remains unclear.

Baylor Genetics
Classification: Uncertain significance for Hypertrophic cardiomyopathy 4. Last evaluated: 2022-10-13. Review status: criteria provided, single submitter. Criteria: ACMG Guidelines, 2015. Collection method: clinical testing. Allele origin: unknown.

Baylor Genetics
Classification: Uncertain significance for Left ventricular noncompaction 10. Last evaluated: 2022-10-13. Review status: criteria provided, single submitter. Criteria: ACMG Guidelines, 2015. Collection method: clinical testing. Allele origin: unknown.

Literature cited by the submitters: PubMed 28658286 (cited by 5 submitters); PubMed 30206291 (cited by Color Diagnostics, LLC DBA Color Health and All of Us Research Program, National Institutes of Health); PubMed 39001760 (cited by Color Diagnostics, LLC DBA Color Health and Women's Health and Genetics/Laboratory Corporation of America, LabCorp); PubMed 35653365 (cited by Women's Health and Genetics/Laboratory Corporation of America, LabCorp).